The following is an entry in ClinVar:

ClinVar aggregate classification (germline): Conflicting classifications of pathogenicity. Review status: criteria provided, conflicting classifications (1 of 4 stars). 10 submissions from 6 submitters: Uncertain significance (8); Benign (1); Likely benign (1). Last evaluated 2025-10-14.

Conditions:
Myopathy, myofibrillar, 9, with early respiratory failure (MFM9). Also called: Myopathy, distal, with early respiratory failure, autosomal dominant; Hereditary myopathy with early respiratory failure; EDSTROM MYOPATHY; MYOPATHY, PROXIMAL, WITH EARLY RESPIRATORY MUSCLE INVOLVEMENT. Identifiers: Orphanet 178464, Orphanet 34521, MedGen C1863599, MONDO:0011362, OMIM 603689.
TTN-related disorder. Also called: TTN-related condition; TTN-related disease; TTN-related disorders.
Autosomal recessive limb-girdle muscular dystrophy type 2J (LGMDR10). Also called: MUSCULAR DYSTROPHY, LIMB-GIRDLE, AUTOSOMAL RECESSIVE 10; Limb-girdle muscular dystrophy, type 2J. Identifiers: Orphanet 140922, MedGen C1837342, MONDO:0012127, OMIM 608807.
Early-onset myopathy with fatal cardiomyopathy (CMYO5). Also called: CONGENITAL MYOPATHY 5 WITH CARDIOMYOPATHY; Salih Myopathy. Identifiers: Orphanet 289377, MedGen C2673677, MONDO:0012714, OMIM 611705. Disease mechanism: loss of function.
Tibial muscular dystrophy (TMD). Also called: UDD MYOPATHY; Udd Distal Myopathy – Tibial Muscular Dystrophy; Tibial muscular dystrophy, tardive. Identifiers: Orphanet 609, MedGen C1838244, MONDO:0010870, OMIM 600334.
Cardiovascular phenotype. Identifiers: MedGen CN230736.
Dilated cardiomyopathy 1G (CMD1G). Identifiers: Orphanet 154, MedGen C1858763, MONDO:0011400, OMIM 604145.

Allele frequency attached by ClinVar (database versions not stated): gnomAD exomes 0.00001; TOPMed 0.00001; gnomAD 0.00002; ExAC 0.00003.
gnomAD v4.1: 9 of 1,609,412 alleles (0.00056%); highest among the groups gnomAD compares: Non-Finnish European, 0.00076%; no homozygotes.

Submissions (10):

PreventionGenetics, part of Exact Sciences
Classification: Uncertain significance for TTN-related condition. Last evaluated: 2025-10-14. Review status: criteria provided, single submitter. Criteria: ACMG Guidelines, 2015. Collection method: clinical testing. Allele origin: germline.
Comment: The TTN c.62651G>T variant is predicted to result in the amino acid substitution p.Cys20884Phe. To our knowledge, this variant has not been reported in the literature. This variant is reported in 0.0031% of alleles in individuals of European (Non-Finnish) descent in gnomAD. At this time, the clinical significance of this variant is uncertain due to the absence of conclusive functional and genetic evidence.

GeneDx
Classification: Uncertain significance. Last evaluated: 2024-07-18. Review status: criteria provided, single submitter. Criteria: GeneDx Variant Classification Process June 2021. Collection method: clinical testing. Allele origin: germline. Affected: yes.
Comment: Not observed at significant frequency in large population cohorts (gnomAD); Missense variant in a gene in which most reported pathogenic variants are truncating/loss of function; Has not been previously published as pathogenic or benign to our knowledge

ARUP Laboratories, Molecular Genetics and Genomics, ARUP Laboratories
Classification: Uncertain significance. Last evaluated: 2020-10-09. Review status: criteria provided, single submitter. Criteria: ARUP Molecular Germline Variant Investigation Process 2021. Collection method: clinical testing. Allele origin: germline.
Comment: The TTN c.62651G>T; p.Cys20884Phe variant (rs773806020; ClinVar Variation ID: 893157) is rare in the general population (<0.2% allele frequency in the Genome Aggregation Database) and has not been reported in the medical literature in association with dilated cardiomyopathy (DCM) or other TTN-related disease. The clinical relevance of rare missense variants in this gene, which are identified on average once per individual sequenced in affected populations (Herman 2012), is not well understood. Yet, evidence suggests that the vast majority of such missense variants do not contribute to the clinical outcome of DCM (Begay 2015). Thus, the clinical significance of the p.Cys20884Phe variant cannot be determined with certainty.

Revvity Omics, Revvity
Classification: Uncertain significance. Last evaluated: 2019-06-24. Review status: criteria provided, single submitter. Criteria: ACMG Guidelines, 2015. Collection method: clinical testing. Allele origin: germline.

Ambry Genetics
Classification: Uncertain significance for Cardiovascular phenotype. Last evaluated: 2018-09-06. Review status: criteria provided, single submitter. Criteria: Ambry Variant Classification Scheme 2023. Collection method: clinical testing. Allele origin: germline.
Comment: The p.C11819F variant (also known as c.35456G>T), located in coding exon 131 of the TTN gene, results from a G to T substitution at nucleotide position 35456. The cysteine at codon 11819 is replaced by phenylalanine, an amino acid with highly dissimilar properties. This amino acid position is poorly conserved in available vertebrate species. In addition, this alteration is predicted to be tolerated by in silico analysis. Since supporting evidence is limited at this time, the clinical significance of this alteration remains unclear.

Illumina Laboratory Services, Illumina
Classification: Uncertain significance for Autosomal recessive limb-girdle muscular dystrophy type 2J. Last evaluated: 2018-01-12. Review status: criteria provided, single submitter. Criteria: ICSL Variant Classification Criteria 13 December 2019. Collection method: clinical testing. Allele origin: germline.

Illumina Laboratory Services, Illumina
Classification: Benign for Tibial muscular dystrophy. Last evaluated: 2018-01-12. Review status: criteria provided, single submitter. Criteria: ICSL Variant Classification Criteria 13 December 2019. Collection method: clinical testing. Allele origin: germline.
Comment: This variant was observed in the ICSL laboratory as part of a predisposition screen in an ostensibly healthy population. It had not been previously curated by ICSL or reported in the Human Gene Mutation Database (HGMD: prior to June 1st, 2018), and was therefore a candidate for classification through an automated scoring system. Utilizing variant allele frequency, disease prevalence and penetrance estimates, and inheritance mode, an automated score was calculated to assess if this variant is too frequent to cause the disease. Based on the score and internal cut-off values, a variant classified as benign is not then subjected to further curation. The score for this variant resulted in a classification of benign for this disease.

Illumina Laboratory Services, Illumina
Classification: Uncertain significance for Dilated cardiomyopathy 1G. Last evaluated: 2018-01-12. Review status: criteria provided, single submitter. Criteria: ICSL Variant Classification Criteria 13 December 2019. Collection method: clinical testing. Allele origin: germline.

Illumina Laboratory Services, Illumina
Classification: Likely benign for Myopathy, myofibrillar, 9, with early respiratory failure. Last evaluated: 2018-01-12. Review status: criteria provided, single submitter. Criteria: ICSL Variant Classification Criteria 13 December 2019. Collection method: clinical testing. Allele origin: germline.
Comment: This variant was observed in the ICSL laboratory as part of a predisposition screen in an ostensibly healthy population. It had not been previously curated by ICSL or reported in the Human Gene Mutation Database (HGMD: prior to June 1st, 2018), and was therefore a candidate for classification through an automated scoring system. Utilizing variant allele frequency, disease prevalence and penetrance estimates, and inheritance mode, an automated score was calculated to assess if this variant is too frequent to cause the disease. Based on the score and internal cut-off values, a variant classified as likely benign is not then subjected to further curation. The score for this variant resulted in a classification of likely benign for this disease.

Illumina Laboratory Services, Illumina
Classification: Uncertain significance for Early-onset myopathy with fatal cardiomyopathy. Last evaluated: 2018-01-12. Review status: criteria provided, single submitter. Criteria: ICSL Variant Classification Criteria 13 December 2019. Collection method: clinical testing. Allele origin: germline.

NM_001267550.2(TTN):c.62651G>T (p.Cys20884Phe)

Genes: TTN (titin; minus strand), TTN-AS1 (TTN antisense RNA 1; plus strand). Cytogenetic location: 2q31.2.
Variant type: single nucleotide variant.
Coding change: c.62651G>T on transcript NM_001267550.2 (MANE Select); coding-DNA position 62651, G replaced by T.
Protein change: p.Cys20884Phe; replaces cysteine 20884 with phenylalanine.
Molecular consequence: missense variant.
Genome position (GRCh38, 1-based): chr2:178,589,074, C>A on the plus strand (G>T on the coding strand, the complement: TTN is on the minus strand). VCF-style: chr2-178589074-C-A. GRCh37 (hg19) VCF-style: chr2-179453801-C-A.
Other names: c.57728G>T, p.Cys19243Phe (NM_001256850.1); c.35456G>T, p.Cys11819Phe (NM_003319.4); c.54947G>T, p.Cys18316Phe (NM_133378.4); c.35831G>T, p.Cys11944Phe (NM_133432.3); c.36032G>T, p.Cys12011Phe (NM_133437.4); c.62651G>T (NM_001267550.1); short protein forms C11819F, C11944F, C12011F, C18316F, C19243F, C20884F.
Identifiers: ClinVar variation 893157 (VCV000893157.14), dbSNP rs773806020, ClinGen allele CA1992197.